The following is an entry in ClinVar:

NM_002439.5(MSH3):c.307A>T (p.Lys103Ter)

Gene: MSH3 (mutS homolog 3; plus strand). Cytogenetic location: 5q14.1.
Variant type: single nucleotide variant.
Coding change: c.307A>T on transcript NM_002439.5 (MANE Select); coding-DNA position 307, A replaced by T.
Protein change: p.Lys103Ter; replaces lysine 103 with a stop codon.
Molecular consequence: nonsense.
Genome position (GRCh38, 1-based): chr5:80,656,480, A>T. VCF-style: chr5-80656480-A-T. GRCh37 (hg19) VCF-style: chr5-79952299-A-T.
Other names: short protein forms K103*.
Identifiers: ClinVar variation 2583558 (VCV002583558.2), dbSNP rs759128700, ClinGen allele CA360266355.
Genomic context (GRCh38, chr5:80,656,480, plus strand): 5'-ATTGACAGAAGAAAGAAGAGACCATTGGAAAATGATGGGCCTGTTAAAAAGAAAGTAAAG[A>T]AAGTCCAACAAAAGGAAGGAGGAAGTGATCTGGGAATGTCTGGCAACTCTGGTGAGTTGT-3'

ClinVar aggregate classification (germline): Pathogenic (1 of 4 stars; one submission).

Conditions:
Familial adenomatous polyposis 4 (FAP4). Also called: MSH3-related attenuated familial adenomatous polyposis. Identifiers: Orphanet 480536, MedGen C4310719, MONDO:0044300, OMIM 617100.

Submission:

Myriad Genetics, Inc.
Classification: Pathogenic for Familial adenomatous polyposis 4. Last evaluated: 2023-04-27. Review status: criteria provided, single submitter. Criteria: Myriad Autosomal Dominant, Autosomal Recessive and X-Linked Classification Criteria (2023). Collection method: clinical testing. Allele origin: unknown.
Comment: This variant is considered pathogenic. This variant creates a termination codon and is predicted to result in premature protein truncation.